The following is an entry in ClinVar:

NM_031471.6(FERMT3):c.1205-3C>T

Gene: FERMT3 (FERM domain containing kindlin 3; plus strand). Cytogenetic location: 11q13.1.
Variant type: single nucleotide variant.
Coding change: c.1205-3C>T on transcript NM_031471.6 (MANE Select); 3 bases into the intron before coding-DNA position 1205, C replaced by T.
Molecular consequence: intron variant.
Genome position (GRCh38, 1-based): chr11:64,220,217, C>T. VCF-style: chr11-64220217-C-T. GRCh37 (hg19) VCF-style: chr11-63987689-C-T.
Other names: c.1205-3C>T (NM_001382448.1, NM_001382361.1); c.1217-3C>T (NM_178443.3, NM_001382362.1); c.677-3C>T (NM_001382364.1); c.665-3C>T (NM_001382363.1).
Identifiers: ClinVar variation 1919226 (VCV001919226.5), dbSNP rs2496024535, ClinGen allele CA2580084393.

ClinVar aggregate classification (germline): Uncertain significance (1 of 4 stars; one submission).

Conditions:
Leukocyte adhesion deficiency 3. Also called: Leukocyte adhesion deficiency, type III; INTEGRIN ACTIVATION DEFICIENCY DISEASE; LEUKOCYTE ADHESION DEFICIENCY 1 VARIANT. Identifiers: Orphanet 2968, Orphanet 99844, MedGen C2748536, MONDO:0013016, OMIM 612840.

Submission:

Labcorp Genetics (formerly Invitae), Labcorp
Classification: Uncertain significance for Leukocyte adhesion deficiency 3. Last evaluated: 2023-11-27. Review status: criteria provided, single submitter. Criteria: Invitae Variant Classification Sherloc (09022015). Collection method: clinical testing. Allele origin: germline.
Comment: This sequence change falls in intron 10 of the FERMT3 gene. It does not directly change the encoded amino acid sequence of the FERMT3 protein. It affects a nucleotide within the consensus splice site. This variant is not present in population databases (gnomAD no frequency). This variant has not been reported in the literature in individuals affected with FERMT3-related conditions. ClinVar contains an entry for this variant (Variation ID: 1919226). Variants that disrupt the consensus splice site are a relatively common cause of aberrant splicing (PMID: 17576681, 9536098). Algorithms developed to predict the effect of sequence changes on RNA splicing suggest that this variant is not likely to affect RNA splicing. In summary, the available evidence is currently insufficient to determine the role of this variant in disease. Therefore, it has been classified as a Variant of Uncertain Significance.

Literature cited by the submitters: PubMed 17576681; PubMed 9536098.